The following is an entry in ClinVar:

ClinVar aggregate classification (germline): Likely benign (1 of 4 stars; one submission).

Submission:

CeGaT Center for Human Genetics Tuebingen
Classification: Likely benign. Last evaluated: 2025-12-01. Review status: criteria provided, single submitter. Criteria: CeGaT Center For Human Genetics Tuebingen Variant Classification Criteria Version 2. Collection method: clinical testing. Allele origin: germline. Affected: yes. Observed: 1 variant allele.
Comment: ZNF699: PM2:Supporting, BP4, BP7

NM_198535.3(ZNF699):c.564A>G (p.Arg188=)

Gene: ZNF699 (zinc finger protein 699; minus strand). Cytogenetic location: 19p13.2.
Variant type: single nucleotide variant.
Coding change: c.564A>G on transcript NM_198535.3 (MANE Select); coding-DNA position 564, A replaced by G.
Protein change: p.Arg188=; no amino-acid change (arginine 188 retained).
Molecular consequence: synonymous variant.
Genome position (GRCh38, 1-based): chr19:9,296,840, T>C on the plus strand (A>G on the coding strand, the complement: ZNF699 is on the minus strand). VCF-style: chr19-9296840-T-C. GRCh37 (hg19) VCF-style: chr19-9407516-T-C.
Identifiers: ClinVar variation 4681853 (VCV004681853.5).